The following is an entry in ClinVar:

NM_005751.5(AKAP9):c.3613-291G>C

Gene: AKAP9 (A-kinase anchoring protein 9; plus strand). Cytogenetic location: 7q21.2.
Variant type: single nucleotide variant.
Coding change: c.3613-291G>C on transcript NM_005751.5 (MANE Select); 291 bases into the intron before coding-DNA position 3613, G replaced by C.
Molecular consequence: intron variant.
Genome position (GRCh38, 1-based): chr7:92,015,838, G>C. VCF-style: chr7-92015838-G-C. GRCh37 (hg19) VCF-style: chr7-91645152-G-C.
Other names: c.3613-291G>C (NM_147185.3).
Identifiers: ClinVar variation 682744 (VCV000682744.1), dbSNP rs10234071, ClinGen allele CA12568556.

ClinVar aggregate classification (germline): Benign (1 of 4 stars; one submission).

Allele frequency attached by ClinVar (database versions not stated): 1000 Genomes Project 0.35982; 1000 Genomes Project 30x 0.36259; gnomAD 0.40164 and 0.40486; TOPMed 0.40177.

Submission:

GeneDx
Classification: Benign. Last evaluated: 2018-06-14. Review status: criteria provided, single submitter. Criteria: GeneDx Variant Classification (06012015). Collection method: clinical testing. Allele origin: germline. Affected: yes.
Comment: This variant is considered likely benign or benign based on one or more of the following criteria: it is a conservative change, it occurs at a poorly conserved position in the protein, it is predicted to be benign by multiple in silico algorithms, and/or has population frequency not consistent with disease.